The following is an entry in ClinVar:

NM_183381.3(RNF13):c.622C>T (p.Gln208Ter)

Gene: RNF13 (ring finger protein 13; plus strand). Cytogenetic location: 3q25.1.
Variant type: single nucleotide variant.
Coding change: c.622C>T on transcript NM_183381.3 (MANE Select); coding-DNA position 622, C replaced by T.
Protein change: p.Gln208Ter; replaces glutamine 208 with a stop codon.
Molecular consequence: nonsense. On other transcripts: non-coding transcript variant (1).
Genome position (GRCh38, 1-based): chr3:149,921,149, C>T. VCF-style: chr3-149921149-C-T. GRCh37 (hg19) VCF-style: chr3-149638936-C-T.
Other names: c.622C>T, p.Gln208Ter (NM_001378285.1, NM_001378286.1, NM_007282.4); c.265C>T, p.Gln89Ter (NM_001378287.1, NM_001378288.1, NM_001378289.1 and 2 more transcripts); c.229C>T, p.Gln77Ter (NM_001378291.1); short protein forms Q77*, Q208*, Q89*.
Identifiers: ClinVar variation 2718093 (VCV002718093.3), dbSNP rs2473493483, ClinGen allele CA354933447.

ClinVar aggregate classification (germline): Uncertain significance (1 of 4 stars; one submission).

Submission:

Labcorp Genetics (formerly Invitae), Labcorp
Classification: Uncertain significance. Last evaluated: 2024-01-15. Review status: criteria provided, single submitter. Criteria: Invitae Variant Classification Sherloc (09022015). Collection method: clinical testing. Allele origin: germline.
Comment: This sequence change creates a premature translational stop signal (p.Gln208*) in the RNF13 gene. It is expected to result in an absent or disrupted protein product. However, the current clinical and genetic evidence is not sufficient to establish whether loss-of-function variants in RNF13 cause disease. This variant is not present in population databases (gnomAD no frequency). This variant has not been reported in the literature in individuals affected with RNF13-related conditions. In summary, the available evidence is currently insufficient to determine the role of this variant in disease. Therefore, it has been classified as a Variant of Uncertain Significance.